The following is an entry in ClinVar:

NM_001374736.1(DST):c.16565_16566del (p.Gly5522fs)

Gene: DST (dystonin; minus strand). Cytogenetic location: 6p12.1.
Variant type: Deletion.
Coding change: c.16565_16566del on transcript NM_001374736.1 (MANE Select); coding-DNA positions 16565 to 16566, 2 bases deleted (GT; older notation c.16565_16566delGT).
Protein change: p.Gly5522fs; shifts the reading frame from glycine 5522.
Molecular consequence: frameshift variant.
Genome position (GRCh38, 1-based): chr6:56,552,226-56,552,227, AC deleted on the plus strand (GT on the coding strand, the reverse complement: DST is on the minus strand). VCF-style (leftmost placement, unchanged base first): chr6-56552225-TAC-T. GRCh37 (hg19) VCF-style: chr6-56417023-TAC-T.
Other names: c.10208_10209del, p.Gly3403fs (NM_001144769.5); c.9794_9795del, p.Gly3265fs (NM_001144770.2); c.16565_16566del, p.Gly5522fs (NM_001374722.1); c.15932_15933del, p.Gly5311fs (NM_001374729.1); c.9674_9675del, p.Gly3225fs (NM_001374730.1, NM_001386100.1, NM_183380.4); c.16592_16593del, p.Gly5531fs (NM_001374734.1); c.8696_8697del, p.Gly2899fs (NM_015548.5); short protein forms G2899fs, G3225fs, G5531fs, G3265fs, G3403fs, G5522fs, G5311fs.
Identifiers: ClinVar variation 2318385 (VCV002318385.2), dbSNP rs2535324618, ClinGen allele CA2580075554.

ClinVar aggregate classification (germline): Pathogenic (1 of 4 stars; one submission).

Conditions:
Inborn genetic diseases. Identifiers: MedGen C0950123, MeSH D030342.

Submission:

Ambry Genetics
Classification: Pathogenic for Inborn genetic diseases. Last evaluated: 2022-10-26. Review status: criteria provided, single submitter. Criteria: Ambry Variant Classification Scheme 2023. Collection method: clinical testing. Allele origin: germline.
Comment: The c.10208_10209delGT (p.G3403Dfs*7) alteration, located in exon 55 (coding exon 55) of the DST gene, consists of a deletion of 2 nucleotides from position 10208 to 10209, causing a translational frameshift with a predicted alternate stop codon after 7 amino acids. This alteration is expected to result in loss of function by premature protein truncation or nonsense-mediated mRNA decay._x000D_ _x000D_ Based on the available evidence, the DST c.10208_10209delGT (p.G3403Dfs*7) alteration is classified as pathogenic for DST-related hereditary sensory and autonomic neuropathy; however, this variant is unlikely to be causative of DST-related epidermolysis bullosa simplex. This variant was not reported in population-based cohorts in the Genome Aggregation Database (gnomAD). Based on the available evidence, this alteration is classified as pathogenic.